The following is an entry in ClinVar:

NM_002473.6(MYH9):c.5378A>G (p.Lys1793Arg)

Gene: MYH9 (myosin heavy chain 9; minus strand). Cytogenetic location: 22q12.3.
Variant type: single nucleotide variant.
Coding change: c.5378A>G on transcript NM_002473.6 (MANE Select); coding-DNA position 5378, A replaced by G.
Protein change: p.Lys1793Arg; replaces lysine 1793 with arginine.
Molecular consequence: missense variant.
Genome position (GRCh38, 1-based): chr22:36,285,226, T>C on the plus strand (A>G on the coding strand, the complement: MYH9 is on the minus strand). VCF-style: chr22-36285226-T-C. GRCh37 (hg19) VCF-style: chr22-36681272-T-C.
Other names: c.5378A>G (NM_002473.5); short protein forms K1793R.
Identifiers: ClinVar variation 902509 (VCV000902509.40), dbSNP rs141440715, ClinGen allele CA10209071.

ClinVar aggregate classification (germline): Conflicting classifications of pathogenicity. Review status: criteria provided, conflicting classifications (1 of 4 stars). 8 submissions from 7 submitters: Uncertain significance (5); Benign (2); Likely benign (1). Last evaluated 2026-03-24.

Conditions:
Macrothrombocytopenia and granulocyte inclusions with or without nephritis or sensorineural hearing loss (MATINS). Also called: MYH9-Related Disease (MYH9-RD); MAY-HEGGLIN ANOMALY; MACROTHROMBOCYTOPENIA WITH LEUKOCYTE INCLUSIONS; BLEEDING DISORDER, PLATELET-TYPE, 6; SEBASTIAN PLATELET SYNDROME; MACROTHROMBOCYTOPENIA WITH DISPERSED LEUKOCYTIC INCLUSIONS. Identifiers: Orphanet 182050, MedGen C5200934, MONDO:0015912, OMIM 155100.
Autosomal dominant nonsyndromic hearing loss 17. Also called: Deafness, autosomal dominant 17; Autosomal dominant nonsyndromic deafness 17. Identifiers: Orphanet 90635, MedGen C1863659, MONDO:0011350, OMIM 603622.
MYH9-related disorder. Identifiers: MedGen C1854520.

Allele frequency attached by ClinVar (database versions not stated): gnomAD exomes 0.00013 and 0.00028; ExAC 0.00014; gnomAD 0.00014; TOPMed 0.00015; ESP Exome Variant Server 0.00031.
gnomAD v4.1: 419 of 1,614,104 alleles (0.026%); highest among the groups gnomAD compares: Non-Finnish European, 0.034%; no homozygotes.

Submissions (8):

PreventionGenetics, part of Exact Sciences
Classification: Uncertain significance for MYH9-related condition. Last evaluated: 2026-03-24. Review status: criteria provided, single submitter. Criteria: ACMG Guidelines, 2015. Collection method: clinical testing. Allele origin: germline.
Comment: The MYH9 c.5378A>G variant is predicted to result in the amino acid substitution p.Lys1793Arg. To our knowledge, this variant has not been reported in the literature. This variant is reported in 0.025% of alleles in individuals of European (Non-Finnish) descent in gnomAD. Although we suspect that this variant may be benign, at this time, the clinical significance of this variant is uncertain due to the absence of conclusive functional and genetic evidence.

GeneDx
Classification: Uncertain significance. Last evaluated: 2025-11-18. Review status: criteria provided, single submitter. Criteria: GeneDx Variant Classification Process June 2021. Collection method: clinical testing. Allele origin: germline. Affected: yes.
Comment: In silico analysis suggests that this missense variant does not alter protein structure/function; Has not been previously published as pathogenic or benign to our knowledge; This variant is associated with the following publications: (PMID: 32757236)

Labcorp Genetics (formerly Invitae), Labcorp
Classification: Benign. Last evaluated: 2025-10-26. Review status: criteria provided, single submitter. Criteria: Invitae Variant Classification Sherloc (09022015). Collection method: clinical testing. Allele origin: germline.

CeGaT Center for Human Genetics Tuebingen
Classification: Likely benign. Last evaluated: 2024-03-01. Review status: criteria provided, single submitter. Criteria: CeGaT Center For Human Genetics Tuebingen Variant Classification Criteria Version 2. Collection method: clinical testing. Allele origin: germline. Affected: yes. Observed: 2 variant alleles.
Comment: MYH9: PP2, BS2

St. Jude Molecular Pathology, St. Jude Children's Research Hospital
Classification: Uncertain significance for Macrothrombocytopenia and granulocyte inclusions with or without nephritis or sensorineural hearing loss. Last evaluated: 2023-11-06. Review status: criteria provided, single submitter. Criteria: St. Jude Assertion Criteria 2020. Collection method: clinical testing. Allele origin: germline.
Comment: The MYH9 c.5378A>G (p.Lys1793Arg) missense change has a maximum subpopulation frequency of 0.025% in gnomAD v2.1.1. The in silico tool REVEL is inconclusive about a pathogenic or benign effect of this variant on protein function, and to our knowledge functional studies have not been performed. This variant has been reported in the literature in an individual with mild isolated nonsyndromic thrombocytopenia (PMID: 32757236). In summary, the evidence currently available is insufficient to determine the clinical significance of this variant. It has therefore been classified as of uncertain significance.

Women's Health and Genetics/Laboratory Corporation of America, LabCorp
Classification: Uncertain significance. Last evaluated: 2023-08-17. Review status: criteria provided, single submitter. Criteria: LabCorp Variant Classification Summary - May 2015. Collection method: clinical testing. Allele origin: germline.
Comment: Variant summary: MYH9 c.5378A>G (p.Lys1793Arg) results in a conservative amino acid change located in the myosin tail domain (IPR002928) of the encoded protein sequence. Four of five in-silico tools predict a benign effect of the variant on protein function. The variant allele was found at a frequency of 0.00013 in 251476 control chromosomes (gnomAD). c.5378A>G has been reported in the literature in an individual suspected of mild isolated nonsyndromic thrombocytopenia and had panel testing done (example: Gueguen_2020). This report does not provide unequivocal conclusions about association of the variant with Macrothrombocytopenia And Granulocyte Inclusions With Or Without Nephritis Or Sensorineural Hearing Loss. To our knowledge, no experimental evidence demonstrating an impact on protein function has been reported. The following publication has been ascertained in the context of this evaluation (PMID: 32757236). Two submitters have cited clinical-significance assessments for this variant to ClinVar after 2014 and classified the variant as Uncertain significance and Benign. Based on the evidence outlined above, the variant was classified as uncertain significance.

Illumina Laboratory Services, Illumina
Classification: Uncertain significance for Autosomal dominant nonsyndromic hearing loss 17. Last evaluated: 2018-01-12. Review status: criteria provided, single submitter. Criteria: ICSL Variant Classification Criteria 13 December 2019. Collection method: clinical testing. Allele origin: germline.

Illumina Laboratory Services, Illumina
Classification: Benign for MYH9-related disorder. Last evaluated: 2018-01-12. Review status: criteria provided, single submitter. Criteria: ICSL Variant Classification Criteria 13 December 2019. Collection method: clinical testing. Allele origin: germline.
Comment: This variant was observed in the ICSL laboratory as part of a predisposition screen in an ostensibly healthy population. It had not been previously curated by ICSL or reported in the Human Gene Mutation Database (HGMD: prior to June 1st, 2018), and was therefore a candidate for classification through an automated scoring system. Utilizing variant allele frequency, disease prevalence and penetrance estimates, and inheritance mode, an automated score was calculated to assess if this variant is too frequent to cause the disease. Based on the score and internal cut-off values, a variant classified as benign is not then subjected to further curation. The score for this variant resulted in a classification of benign for this disease.

Literature cited by the submitters: PubMed 32757236 (cited by Women's Health and Genetics/Laboratory Corporation of America, LabCorp).